The following is an entry in ClinVar:

NM_021620.4(PRDM13):c.568C>T (p.Leu190Phe)

Gene: PRDM13 (PR/SET domain 13; plus strand). Cytogenetic location: 6q16.2.
Variant type: single nucleotide variant.
Coding change: c.568C>T on transcript NM_021620.4 (MANE Select); coding-DNA position 568, C replaced by T.
Protein change: p.Leu190Phe; replaces leucine 190 with phenylalanine.
Molecular consequence: missense variant.
Genome position (GRCh38, 1-based): chr6:99,613,203, C>T. VCF-style: chr6-99613203-C-T. GRCh37 (hg19) VCF-style: chr6-100061079-C-T.
Other names: short protein forms L190F.
Identifiers: ClinVar variation 852755 (VCV000852755.10), dbSNP rs1490807276, ClinGen allele CA365115668.
Genomic context (GRCh38, chr6:99,613,203, plus strand): 5'-TTCCTGCACCACGAACACGCGGCTCGCCAAGGCGCCGTCCCAGCGGCTGATGGCCTCGGT[C>T]TCTCCCCAAAACCCCCGGCGCCCGATTTCGCCGCGCCTTCCCAGGCAGGAACTTTGCGAC-3'
Protein context (NP_067633.2, residues 180-200): GAVPAADGLG[Leu190Phe]SPKPPAPDFA

ClinVar aggregate classification (germline): Uncertain significance. Review status: criteria provided, multiple submitters, no conflicts (2 of 4 stars). 2 submissions from 2 submitters: Uncertain significance (2). Last evaluated 2022-12-14.

Submissions (2):

Blueprint Genetics
Classification: Uncertain significance. Last evaluated: 2022-12-14. Review status: criteria provided, single submitter. Criteria: ACMG Guidelines, 2015. Collection method: clinical testing. Allele origin: germline.

Labcorp Genetics (formerly Invitae), Labcorp
Classification: Uncertain significance. Last evaluated: 2022-07-12. Review status: criteria provided, single submitter. Criteria: Invitae Variant Classification Sherloc (09022015). Collection method: clinical testing. Allele origin: germline.
Comment: In summary, the available evidence is currently insufficient to determine the role of this variant in disease. Therefore, it has been classified as a Variant of Uncertain Significance. Algorithms developed to predict the effect of missense changes on protein structure and function output the following: SIFT: "Deleterious"; PolyPhen-2: "Benign"; Align-GVGD: "Class C0". The phenylalanine amino acid residue is found in multiple mammalian species, which suggests that this missense change does not adversely affect protein function. ClinVar contains an entry for this variant (Variation ID: 852755). This variant has not been reported in the literature in individuals affected with PRDM13-related conditions. This variant is not present in population databases (gnomAD no frequency). This sequence change replaces leucine, which is neutral and non-polar, with phenylalanine, which is neutral and non-polar, at codon 190 of the PRDM13 protein (p.Leu190Phe).